The following is an entry in ClinVar:

ClinVar aggregate classification (germline): Conflicting classifications of pathogenicity. Review status: criteria provided, conflicting classifications (1 of 4 stars). 7 submissions from 7 submitters: Uncertain significance (1); Benign (2); Likely benign (3). 1 of the submissions does not count toward it. Last evaluated 2026-07-01.

Conditions:
Autosomal dominant auditory neuropathy 1. Also called: AUDITORY NEUROPATHY, NONSYNDROMIC DOMINANT. Identifiers: Orphanet 90635, MedGen C1836743, MONDO:0012196, OMIM 609129.
DIAPH3-related disorder. Also called: DIAPH3-related condition.

Allele frequency attached by ClinVar (database versions not stated): 1000 Genomes Project 30x 0.00234; 1000 Genomes Project 0.00260; TOPMed 0.00415; ESP Exome Variant Server 0.00462.
gnomAD v4.1: 9,577 of 1,613,976 alleles (0.59%); highest among the groups gnomAD compares: Non-Finnish European, 0.71%; 47 homozygotes.

Submissions (7):

CeGaT Center for Human Genetics Tuebingen
Classification: Likely benign. Last evaluated: 2026-07-01. Review status: criteria provided, single submitter. Criteria: CeGaT Center For Human Genetics Tuebingen Variant Classification Criteria Version 2. Collection method: clinical testing. Allele origin: germline. Affected: yes. Observed: 6 variant alleles.
Comment: DIAPH3: BS1

Labcorp Genetics (formerly Invitae), Labcorp
Classification: Likely benign. Last evaluated: 2026-01-26. Review status: criteria provided, single submitter. Criteria: Invitae Variant Classification Sherloc (09022015). Collection method: clinical testing. Allele origin: germline.

Blueprint Genetics
Classification: Likely benign. Last evaluated: 2024-11-25. Review status: criteria provided, single submitter. Criteria: ACMG Guidelines, 2015. Collection method: clinical testing. Allele origin: germline.

ARUP Laboratories, Molecular Genetics and Genomics, ARUP Laboratories
Classification: Uncertain significance for Autosomal dominant auditory neuropathy 1. Last evaluated: 2023-11-03. Review status: criteria provided, single submitter. Criteria: ARUP Molecular Germline Variant Investigation Process 2024. Collection method: clinical testing. Allele origin: germline.

Mendelics
Classification: Benign for Autosomal dominant auditory neuropathy 1. Last evaluated: 2019-05-28. Review status: criteria provided, single submitter. Criteria: Mendelics Assertion Criteria 2017. Collection method: clinical testing. Allele origin: unknown.

GeneDx
Classification: Benign. Last evaluated: 2019-05-15. Review status: criteria provided, single submitter. Criteria: GeneDx Variant Classification Process June 2021. Collection method: clinical testing. Allele origin: germline. Affected: yes.
Comment: This variant is associated with the following publications: (PMID: 30487145, 20308993)

PreventionGenetics, part of Exact Sciences
Classification: Likely benign for DIAPH3-related condition. Last evaluated: 2020-08-17. Review status: no assertion criteria provided. Collection method: clinical testing. Allele origin: germline. Not counted in ClinVar's aggregate classification.
Comment: This variant is classified as likely benign based on ACMG/AMP sequence variant interpretation guidelines (Richards et al. 2015 PMID: 25741868, with internal and published modifications).

NM_001042517.2(DIAPH3):c.1840C>A (p.Pro614Thr)

Gene: DIAPH3 (diaphanous related formin 3; minus strand). Cytogenetic location: 13q21.2.
Variant type: single nucleotide variant.
Coding change: c.1840C>A on transcript NM_001042517.2 (MANE Select); coding-DNA position 1840, C replaced by A.
Protein change: p.Pro614Thr; replaces proline 614 with threonine.
Molecular consequence: missense variant.
Genome position (GRCh38, 1-based): chr13:59,970,971, G>T on the plus strand (C>A on the coding strand, the complement: DIAPH3 is on the minus strand). VCF-style: chr13-59970971-G-T. GRCh37 (hg19) VCF-style: chr13-60545105-G-T.
Other names: c.1807C>A, p.Pro603Thr (NM_001258366.2); c.1702C>A, p.Pro568Thr (NM_001258367.2); c.1630C>A, p.Pro544Thr (NM_001258368.2); c.1840C>A, p.Pro614Thr (NM_001258369.2); c.1051C>A, p.Pro351Thr (NM_001258370.2, NM_030932.4); short protein forms P614T, P351T, P603T, P544T, P568T.
Identifiers: ClinVar variation 449011 (VCV000449011.45), dbSNP rs200018583, ClinGen allele CA6996560.